The following is an entry in ClinVar:

NM_182643.3(DLC1):c.2996G>A (p.Arg999Gln)

Gene: DLC1 (DLC1 Rho GTPase activating protein; minus strand). Cytogenetic location: 8p22.
Variant type: single nucleotide variant.
Coding change: c.2996G>A on transcript NM_182643.3 (MANE Select); coding-DNA position 2996, G replaced by A.
Protein change: p.Arg999Gln; replaces arginine 999 with glutamine.
Molecular consequence: missense variant.
Genome position (GRCh38, 1-based): chr8:13,098,570, C>T on the plus strand (G>A on the coding strand, the complement: DLC1 is on the minus strand). VCF-style: chr8-13098570-C-T. GRCh37 (hg19) VCF-style: chr8-12956079-C-T.
Other names: c.2996G>A (NM_182643.2); c.1463G>A, p.Arg488Gln (NM_001164271.2, NM_001348082.2, NM_001348083.1 and 6 more transcripts); c.1787G>A, p.Arg596Gln (NM_001316668.2, NM_001413129.1); c.2996G>A, p.Arg999Gln (NM_001348081.2, NM_001413124.1); c.1778G>A, p.Arg593Gln (NM_001413130.1); c.1436G>A, p.Arg479Gln (NM_001413131.1, NM_001413137.1); c.1922G>A, p.Arg641Gln (NM_001413132.1); c.1685G>A, p.Arg562Gln (NM_001413135.1, NM_001413136.1, NM_001413139.1 and 1 more transcripts); and 1 more; short protein forms R607Q, R641Q, R562Q, R596Q, R999Q, R479Q, R488Q, R593Q.
Identifiers: ClinVar variation 2040818 (VCV002040818.5), dbSNP rs770571815, ClinGen allele CA4638469.

ClinVar aggregate classification (germline): Uncertain significance. Review status: criteria provided, multiple submitters, no conflicts (2 of 4 stars). 2 submissions from 2 submitters: Uncertain significance (2). Last evaluated 2025-08-15.

Allele frequency attached by ClinVar (database versions not stated): TOPMed below 0.00001; ExAC 0.00001.
gnomAD v4.1: 12 of 1,613,200 alleles (0.00074%); highest among the groups gnomAD compares: Non-Finnish European, 0.00093%; no homozygotes.

Submissions (2):

Ambry Genetics
Classification: Uncertain significance. Last evaluated: 2025-08-15. Review status: criteria provided, single submitter. Criteria: Ambry Variant Classification Scheme 2023. Collection method: clinical testing. Allele origin: germline.

Labcorp Genetics (formerly Invitae), Labcorp
Classification: Uncertain significance. Last evaluated: 2025-08-11. Review status: criteria provided, single submitter. Criteria: Invitae Variant Classification Sherloc (09022015). Collection method: clinical testing. Allele origin: germline.
Comment: This sequence change replaces arginine, which is basic and polar, with glutamine, which is neutral and polar, at codon 999 of the DLC1 protein (p.Arg999Gln). This variant is present in population databases (rs770571815, gnomAD 0.01%). This variant has not been reported in the literature in individuals affected with DLC1-related conditions. ClinVar contains an entry for this variant (Variation ID: 2040818). An algorithm developed to predict the effect of missense changes on protein structure and function (PolyPhen-2) suggests that this variant is likely to be tolerated. In summary, the available evidence is currently insufficient to determine the role of this variant in disease. Therefore, it has been classified as a Variant of Uncertain Significance.